The following is an entry in ClinVar:

NC_000011.9:g.(?_532626)_(534332_?)dup

Genes: HRAS (HRas proto-oncogene, GTPase; minus strand), LRRC56 (leucine rich repeat containing 56; plus strand). Cytogenetic location: 11p15.5.
Variant type: Duplication.
Identifiers: ClinVar variation 656817 (VCV000656817.2).

ClinVar aggregate classification (germline): Uncertain significance (1 of 4 stars; one submission).

Conditions:
Costello syndrome (CSTLO). Also called: FACIOCUTANEOSKELETAL SYNDROME; FCS SYNDROME; HRAS-Related Costello Syndrome. Identifiers: Orphanet 3071, MedGen C0587248, MONDO:0009026, OMIM 218040.

Submission:

Labcorp Genetics (formerly Invitae), Labcorp
Classification: Uncertain significance for Costello syndrome. Last evaluated: 2019-07-01. Review status: criteria provided, single submitter. Criteria: Invitae Variant Classification Sherloc (09022015). Collection method: clinical testing. Allele origin: germline.
Comment: This variant results in a copy number gain of the genomic region encompassing the full coding sequence of the HRAS gene. The boundaries of this event are unknown as they extend beyond the assayed region for this gene and therefore may encompass additional genes. As the precise location of this event is unknown, it may be in tandem or it may be located elsewhere in the genome. Isolated whole-gene copy number gains of HRAS have not been reported in the literature. However, larger copy number events that include this gene have been reported in individuals affected with congenital heart defect (PMID: 22318994). In summary, the available evidence is currently insufficient to determine the role of this variant in disease. Therefore, it has been classified as a Variant of Uncertain Significance.

Literature cited by the submitters: PubMed 22318994.